The following is an entry in ClinVar:

ClinVar aggregate classification (germline): Benign/Likely benign. Review status: criteria provided, multiple submitters, no conflicts (2 of 4 stars). 5 submissions from 5 submitters: Benign (1); Likely benign (3). 1 of the submissions does not count toward it. Last evaluated 2025-03-07.

Conditions:
NOTCH2-related disorder. Also called: NOTCH2-related condition.
Alagille syndrome due to a NOTCH2 point mutation. Also called: Alagille syndrome 2. Identifiers: Orphanet 261629, Orphanet 52, MedGen C1857761, MONDO:0012439, OMIM 610205.
Hajdu-Cheney syndrome (HJCYS). Also called: ACROOSTEOLYSIS WITH OSTEOPOROSIS AND CHANGES IN SKULL AND MANDIBLE; SERPENTINE FIBULA-POLYCYSTIC KIDNEY SYNDROME; Acroosteolysis dominant type. Identifiers: Orphanet 955, MedGen C0917715, MONDO:0007057, OMIM 102500.

Allele frequency attached by ClinVar (database versions not stated): gnomAD 0.00001 and 0.00007; TOPMed 0.00001; gnomAD exomes 0.00012 and 0.00026; ExAC 0.00025; 1000 Genomes Project 30x 0.00078; 1000 Genomes Project 0.00080.
gnomAD v4.1: 178 of 1,614,226 alleles (0.011%); highest among the groups gnomAD compares: South Asian, 0.17%; 1 homozygote.

Submissions (5):

Labcorp Genetics (formerly Invitae), Labcorp
Classification: Benign for Hajdu-Cheney syndrome. Last evaluated: 2025-03-07. Review status: criteria provided, single submitter. Criteria: Invitae Variant Classification Sherloc (09022015). Collection method: clinical testing. Allele origin: germline.

Blueprint Genetics
Classification: Likely benign. Last evaluated: 2024-05-07. Review status: criteria provided, single submitter. Criteria: ACMG Guidelines, 2015. Collection method: clinical testing. Allele origin: germline.

Fulgent Genetics
Classification: Likely benign for Hajdu-Cheney syndrome; Alagille syndrome due to a NOTCH2 point mutation. Last evaluated: 2021-10-22. Review status: criteria provided, single submitter. Criteria: ACMG Guidelines, 2015. Collection method: clinical testing. Allele origin: unknown.

Eurofins Ntd Llc (ga)
Classification: Likely benign. Last evaluated: 2018-08-10. Review status: criteria provided, single submitter. Criteria: EGL ClinVar v180209 classification definitions. Collection method: clinical testing. Allele origin: germline. Observed: 1 variant allele, 1 heterozygote.

PreventionGenetics, part of Exact Sciences
Classification: Likely benign for NOTCH2-related condition. Last evaluated: 2024-01-04. Review status: no assertion criteria provided. Collection method: clinical testing. Allele origin: germline. Not counted in ClinVar's aggregate classification.
Comment: This variant is classified as likely benign based on ACMG/AMP sequence variant interpretation guidelines (Richards et al. 2015 PMID: 25741868, with internal and published modifications).

NM_024408.4(NOTCH2):c.6516C>T (p.Ser2172=)

Gene: NOTCH2 (notch receptor 2; minus strand). Cytogenetic location: 1p12.
Variant type: single nucleotide variant.
Coding change: c.6516C>T on transcript NM_024408.4 (MANE Select); coding-DNA position 6516, C replaced by T.
Protein change: p.Ser2172=; no amino-acid change (serine 2172 retained).
Molecular consequence: synonymous variant.
Genome position (GRCh38, 1-based): chr1:119,916,206, G>A on the plus strand (C>T on the coding strand, the complement: NOTCH2 is on the minus strand). VCF-style: chr1-119916206-G-A. GRCh37 (hg19) VCF-style: chr1-120458829-G-A.
Other names: c.6516C>T (NM_024408.3).
Identifiers: ClinVar variation 598276 (VCV000598276.17), dbSNP rs587733506, ClinGen allele CA1039413.